The following is an entry in ClinVar:

NM_007347.5(AP4E1):c.1096C>T (p.Gln366Ter)

Gene: AP4E1 (adaptor related protein complex 4 subunit epsilon 1; plus strand). Cytogenetic location: 15q21.2.
Variant type: single nucleotide variant.
Coding change: c.1096C>T on transcript NM_007347.5 (MANE Select); coding-DNA position 1096, C replaced by T.
Protein change: p.Gln366Ter; replaces glutamine 366 with a stop codon.
Molecular consequence: nonsense.
Genome position (GRCh38, 1-based): chr15:50,941,695, C>T. VCF-style: chr15-50941695-C-T. GRCh37 (hg19) VCF-style: chr15-51233892-C-T.
Other names: c.871C>T, p.Gln291Ter (NM_001252127.2); short protein forms Q291*, Q366*.
Identifiers: ClinVar variation 3355079 (VCV003355079.1).

ClinVar aggregate classification (germline): Pathogenic (0 of 4 stars; one submission).

Conditions:
AP4E1-related disorder. Also called: AP4E1-related condition.

Submission:

PreventionGenetics, part of Exact Sciences
Classification: Pathogenic for AP4E1-related condition. Last evaluated: 2024-07-12. Review status: no assertion criteria provided. Collection method: clinical testing. Allele origin: germline.
Comment: The AP4E1 c.1096C>T variant is predicted to result in premature protein termination (p.Gln366*). To our knowledge, this variant has not been reported in the literature or in a large population database, indicating this variant is rare. Nonsense variants in AP4E1 are expected to be pathogenic. This variant is interpreted as pathogenic.